The following is an entry in ClinVar:

ClinVar aggregate classification (germline): Uncertain significance (1 of 4 stars; one submission).

Conditions:
Cardiovascular phenotype. Identifiers: MedGen CN230736.

Submission:

Ambry Genetics
Classification: Uncertain significance for Cardiovascular phenotype. Last evaluated: 2026-03-21. Review status: criteria provided, single submitter. Criteria: Ambry Variant Classification Scheme 2023. Collection method: clinical testing. Allele origin: germline.
Comment: The p.I506V variant (also known as c.1516A>G), located in coding exon 10 of the DSC2 gene, results from an A to G substitution at nucleotide position 1516. The isoleucine at codon 506 is replaced by valine, an amino acid with highly similar properties. This amino acid position is conserved. In addition, this alteration is predicted to be tolerated by in silico analysis. Based on the available evidence, the clinical significance of this variant remains unclear.

NM_024422.6(DSC2):c.1516A>G (p.Ile506Val)

Gene: DSC2 (desmocollin 2; minus strand). Cytogenetic location: 18q12.1.
Variant type: single nucleotide variant.
Coding change: c.1516A>G on transcript NM_024422.6 (MANE Select); coding-DNA position 1516, A replaced by G.
Protein change: p.Ile506Val; replaces isoleucine 506 with valine.
Molecular consequence: missense variant.
Genome position (GRCh38, 1-based): chr18:31,080,100, T>C on the plus strand (A>G on the coding strand, the complement: DSC2 is on the minus strand). VCF-style: chr18-31080100-T-C. GRCh37 (hg19) VCF-style: chr18-28660066-T-C.
Other names: c.1087A>G, p.Ile363Val (NM_001406506.1, NM_001406507.1); c.1516A>G, p.Ile506Val (NM_004949.5); short protein forms I363V, I506V.
Identifiers: ClinVar variation 4870099 (VCV004870099.1).
Genomic context (GRCh38, chr18:31,080,100, plus strand): 5'-TAATAACGTAACAAAATAAGCTATATATTTTAAAACTAAAATAGAATGGTAAGTACCTTA[T>C]GCCACTGCTACTTCTTGTTTCTGGGTCATATGCTTTATATCCATTGCTTGTTGTTCCCAC-3'
Protein context (NP_077740.1, residues 496-516): YDPETRSSSG[Ile506Val]RYKKLTDPTG